The following is an entry in ClinVar:

ClinVar aggregate classification (germline): Uncertain significance. Review status: criteria provided, multiple submitters, no conflicts (2 of 4 stars). 2 submissions from 2 submitters: Uncertain significance (2). Last evaluated 2021-11-05.

Conditions:
Pfeiffer syndrome (ACS5). Also called: ACS V. Identifiers: Orphanet 710, MedGen C0220658, MONDO:0007043, OMIM 101600.
Saethre-Chotzen syndrome (SCS). Also called: CHOTZEN SYNDROME; ACROCEPHALY, SKULL ASYMMETRY, AND MILD SYNDACTYLY; ACS III. Identifiers: Orphanet 794, MedGen C0175699, MONDO:0007042, OMIM 101400.
Familial scaphocephaly syndrome, McGillivray type. Also called: SCAPHOCEPHALY, MAXILLARY RETRUSION, AND IMPAIRED INTELLECTUAL DEVELOPMENT. Identifiers: Orphanet 168624, MedGen C1865070, MONDO:0012307, OMIM 609579.
Acrocephalosyndactyly type I (ACS1). Also called: Apert syndrome; Acrocephalo-syndactyly type 1; ACS 1; Syndactylic oxycephaly. Identifiers: Orphanet 87, MedGen C0001193, MONDO:0007041, OMIM 101200.
Levy-Hollister syndrome (LADD). Also called: LADD syndrome. Identifiers: Orphanet 2363, MedGen C0265269, MONDO:0007872.
Jackson-Weiss syndrome (JWS). Also called: CRANIOSYNOSTOSIS, MIDFACIAL HYPOPLASIA, AND FOOT ABNORMALITIES. Identifiers: Orphanet 1540, MedGen C0795998, MONDO:0007400, OMIM 123150. Disease mechanism: loss of function.
Antley-Bixler syndrome without genital anomalies or disordered steroidogenesis (ABS2). Also called: MULTISYNOSTOTIC OSTEODYSGENESIS WITH LONG BONE FRACTURES; Antley-Bixler Syndrome, Autosomal Dominant; Trapezoidocephaly synostosis syndrome; Osteodysgenesis, multisynostotic with fractures. Identifiers: Orphanet 596008, Orphanet 83, MedGen C2936791, MONDO:0020667, OMIM 207410.
Crouzon syndrome. Also called: CRANIOFACIAL DYSOSTOSIS, TYPE I; Craniofacial dysostosis type 1; Crouzon craniofacial dysostosis; Crouzon disease; Craniofacial dysostosis. Identifiers: Orphanet 207, MedGen C0010273, MeSH D003394, MONDO:0007405, OMIM 123500, HP:0004439.
Beare-Stevenson cutis gyrata syndrome (BSTVS). Identifiers: Orphanet 1555, MedGen C1852406, MONDO:0007412, OMIM 123790.
Bent bone dysplasia syndrome 1 (BBDS1). Also called: FGFR2-related bent bone dysplasia. Identifiers: Orphanet 313855, MedGen C3281247, MONDO:0013815, OMIM 614592.
Gastric cancer. Also called: Malignant tumor of stomach; Stomach cancer. Identifiers: MedGen C0024623, MeSH D013274, MONDO:0001056, OMIM 613659, HP:0012126.
FGFR2-related craniosynostosis. Identifiers: MedGen CN231480.

Submissions (2):

Fulgent Genetics
Classification: Uncertain significance for Acrocephalosyndactyly type I; Saethre-Chotzen syndrome; Pfeiffer syndrome; Jackson-Weiss syndrome; Crouzon syndrome; Beare-Stevenson cutis gyrata syndrome; LADD syndrome 1; Antley-Bixler syndrome without genital anomalies or disordered steroidogenesis; Familial scaphocephaly syndrome, McGillivray type; Gastric cancer; Bent bone dysplasia syndrome 1. Last evaluated: 2021-11-05. Review status: criteria provided, single submitter. Criteria: ACMG Guidelines, 2015. Collection method: clinical testing. Allele origin: unknown.

Labcorp Genetics (formerly Invitae), Labcorp
Classification: Uncertain significance for FGFR2-related craniosynostosis. Last evaluated: 2020-11-16. Review status: criteria provided, single submitter. Criteria: Invitae Variant Classification Sherloc (09022015). Collection method: clinical testing. Allele origin: germline.
Comment: This sequence change creates a premature translational stop signal (p.Ile815Lysfs*5) in the FGFR2 gene. While this is not anticipated to result in nonsense mediated decay, it is expected to disrupt the last 7 amino acid(s) of the FGFR2 protein. This variant is present in population databases (rs771208561, ExAC 0.006%). This variant has not been reported in the literature in individuals with FGFR2-related conditions. Experimental studies and prediction algorithms are not available or were not evaluated, and the functional significance of this variant is currently unknown. In summary, the available evidence is currently insufficient to determine the role of this variant in disease. Therefore, it has been classified as a Variant of Uncertain Significance.

NM_000141.5(FGFR2):c.2444_2445del (p.Ile815fs)

Gene: FGFR2 (fibroblast growth factor receptor 2; minus strand). Cytogenetic location: 10q26.13.
Variant type: Deletion.
Coding change: c.2444_2445del on transcript NM_000141.5 (MANE Select); coding-DNA positions 2444 to 2445, 2 bases deleted (TA; older notation c.2444_2445delTA).
Protein change: p.Ile815fs; shifts the reading frame from isoleucine 815.
Molecular consequence: frameshift variant. On other transcripts: non-coding transcript variant (1), intron variant (1).
Genome position (GRCh38, 1-based): chr10:121,479,878-121,479,879, TA deleted on the plus strand (TA on the coding strand, the reverse complement: FGFR2 is on the minus strand); deleting any 2 consecutive bases within chr10:121,479,878-121,479,880 gives the same sequence; the c. name uses the placement nearest the transcript's 3' end. VCF-style (leftmost placement, unchanged base first): chr10-121479877-TTA-T. GRCh37 (hg19) VCF-style: chr10-123239391-TTA-T.
Other names: c.2443_2444delAT, p.Ile815Lysfs (NM_000141.4); c.2108_2109del, p.Ile703fs (NM_001144914.1); c.2099_2100del, p.Ile700fs (NM_001144916.2); c.2096_2097del, p.Ile699fs (NM_001144917.2); c.2093_2094del, p.Ile698fs (NM_001144918.2); c.1760_1761del, p.Ile587fs (NM_001320654.2); c.2438_2439del, p.Ile813fs (NM_001320658.2); c.2447_2448del, p.Ile816fs (NM_022970.4); and 2 more; short protein forms I587fs, I698fs, I699fs, I700fs, I703fs, I726fs, I813fs, I815fs.
Identifiers: ClinVar variation 1062590 (VCV001062590.8), dbSNP rs771208561, ClinGen allele CA5720444.